The following is an entry in ClinVar:

ClinVar aggregate classification (germline): Uncertain significance. Review status: criteria provided, multiple submitters, no conflicts (2 of 4 stars). 3 submissions from 3 submitters: Uncertain significance (2). 1 of the submissions does not count toward it. Last evaluated 2024-11-25.

Conditions:
UCP3-related disorder. Also called: UCP3-related condition.

Allele frequency attached by ClinVar (database versions not stated): ExAC 0.00001; gnomAD 0.00006; TOPMed 0.00006.
gnomAD v4.1: 85 of 1,614,064 alleles (0.0053%); highest among the groups gnomAD compares: African/African-American, 0.0093%; no homozygotes.

Submissions (3):

Labcorp Genetics (formerly Invitae), Labcorp
Classification: Uncertain significance. Last evaluated: 2024-11-25. Review status: criteria provided, single submitter. Criteria: Invitae Variant Classification Sherloc (09022015). Collection method: clinical testing. Allele origin: germline.
Comment: This sequence change replaces glycine, which is neutral and non-polar, with arginine, which is basic and polar, at codon 151 of the UCP3 protein (p.Gly151Arg). This variant is present in population databases (rs202151585, gnomAD 0.01%). This variant has not been reported in the literature in individuals affected with UCP3-related conditions. ClinVar contains an entry for this variant (Variation ID: 2164853). An algorithm developed to predict the effect of missense changes on protein structure and function outputs the following: PolyPhen-2: "Benign". The arginine amino acid residue is found in multiple mammalian species, which suggests that this missense change does not adversely affect protein function. In summary, the available evidence is currently insufficient to determine the role of this variant in disease. Therefore, it has been classified as a Variant of Uncertain Significance.

Blueprint Genetics
Classification: Uncertain significance. Last evaluated: 2024-11-15. Review status: criteria provided, single submitter. Criteria: ACMG Guidelines, 2015. Collection method: clinical testing. Allele origin: germline.

PreventionGenetics, part of Exact Sciences
Classification: Uncertain significance for UCP3-related condition. Last evaluated: 2024-03-13. Review status: no assertion criteria provided. Collection method: clinical testing. Allele origin: germline. Not counted in ClinVar's aggregate classification.
Comment: The UCP3 c.451G>A variant is predicted to result in the amino acid substitution p.Gly151Arg. To our knowledge, this variant has not been reported in the literature. This variant is reported in 0.012% of alleles in individuals of African descent in gnomAD. At this time, the clinical significance of this variant is uncertain due to the absence of conclusive functional and genetic evidence.

NM_003356.4(UCP3):c.451G>A (p.Gly151Arg)

Gene: UCP3 (uncoupling protein 3; minus strand). Cytogenetic location: 11q13.4.
Variant type: single nucleotide variant.
Coding change: c.451G>A on transcript NM_003356.4 (MANE Select); coding-DNA position 451, G replaced by A.
Protein change: p.Gly151Arg; replaces glycine 151 with arginine.
Molecular consequence: missense variant.
Genome position (GRCh38, 1-based): chr11:74,005,820, C>T on the plus strand (G>A on the coding strand, the complement: UCP3 is on the minus strand). VCF-style: chr11-74005820-C-T. GRCh37 (hg19) VCF-style: chr11-73716865-C-T.
Other names: c.451G>A, p.Gly151Arg (NM_022803.3); c.451G>A (NM_003356.3); short protein forms G151R.
Identifiers: ClinVar variation 2164853 (VCV002164853.7), dbSNP rs202151585, ClinGen allele CA6181482.